The following is an entry in ClinVar:

NM_001281740.3(FHOD3):c.1386G>C (p.Lys462Asn)

Gene: FHOD3 (formin homology 2 domain containing 3; plus strand). Cytogenetic location: 18q12.2.
Variant type: single nucleotide variant.
Coding change: c.1386G>C on transcript NM_001281740.3 (MANE Select); coding-DNA position 1386, G replaced by C.
Protein change: p.Lys462Asn; replaces lysine 462 with asparagine.
Molecular consequence: missense variant. On other transcripts: intron variant (2).
Genome position (GRCh38, 1-based): chr18:36,652,669, G>C. VCF-style: chr18-36652669-G-C. GRCh37 (hg19) VCF-style: chr18-34232632-G-C.
Other names: c.1197-5406G>C (NM_025135.5, NM_001281739.3); short protein forms K462N.
Identifiers: ClinVar variation 4977160 (VCV004977160.1).
Genomic context (GRCh38, chr18:36,652,669, plus strand): 5'-GGATGCTGCTCCCAAGAGCTCTGCCCTCCCTGCTGTCTCGAATGCCAGCTCGCAGGGAAA[G>C]CCGCTTCTGGTTGGCACTGCAGGCGGGACCACCTGGCACAGTGGGTCCTCTGGGTCTGAG-3'
Protein context (NP_001268669.1, residues 452-472): PAVSNASSQG[Lys462Asn]PLLVGTAGGT

ClinVar aggregate classification (germline): Uncertain significance (1 of 4 stars; one submission).

Conditions:
FHOD3-related disorder. Also called: FHOD3-related condition.

gnomAD v4.1: 6 of 1,535,654 alleles (0.00039%); highest among the groups gnomAD compares: Middle Eastern, 0.034%; no homozygotes.

Submission:

PreventionGenetics, part of Exact Sciences
Classification: Uncertain significance for FHOD3-related condition. Last evaluated: 2026-06-16. Review status: criteria provided, single submitter. Criteria: ACMG Guidelines, 2015. Collection method: clinical testing. Allele origin: germline.
Comment: The FHOD3 c.1386G>C variant is predicted to result in the amino acid substitution p.Lys462Asn. To our knowledge, this variant has not been reported in the literature or in a large population database (gnomAD), indicating this variant is rare. At this time, the clinical significance of this variant is uncertain due to the absence of conclusive functional and genetic evidence.